The following is an entry in ClinVar:

ClinVar aggregate classification (germline): Uncertain significance. Review status: criteria provided, multiple submitters, no conflicts (2 of 4 stars). 2 submissions from 2 submitters: Uncertain significance (2). Last evaluated 2024-03-11.

Allele frequency attached by ClinVar (database versions not stated): gnomAD exomes below 0.00001.
gnomAD v4.1: 4 of 1,148,806 alleles (0.00035%); highest among the groups gnomAD compares: Non-Finnish European, 0.00023%; no homozygotes.

Submissions (2):

Labcorp Genetics (formerly Invitae), Labcorp
Classification: Uncertain significance. Last evaluated: 2024-03-11. Review status: criteria provided, single submitter. Criteria: Invitae Variant Classification Sherloc (09022015). Collection method: clinical testing. Allele origin: germline.
Comment: This sequence change affects an acceptor splice site in intron 1 of the POLA1 gene. It is expected to disrupt RNA splicing. Variants that disrupt the donor or acceptor splice site typically lead to a loss of protein function (PMID: 16199547), however the current clinical and genetic evidence is not sufficient to establish whether loss-of-function variants in POLA1 cause disease. This variant is not present in population databases (gnomAD no frequency). This variant has not been reported in the literature in individuals affected with POLA1-related conditions. Algorithms developed to predict the effect of sequence changes on RNA splicing suggest that this variant may disrupt the consensus splice site. In summary, the available evidence is currently insufficient to determine the role of this variant in disease. Therefore, it has been classified as a Variant of Uncertain Significance.

Blueprint Genetics
Classification: Uncertain significance. Last evaluated: 2022-10-26. Review status: criteria provided, single submitter. Criteria: ACMG Guidelines, 2015. Collection method: clinical testing. Allele origin: germline.

Literature cited by the submitters: PubMed 16199547 (cited by Labcorp Genetics (formerly Invitae), Labcorp).

NM_001330360.2(POLA1):c.44-1G>T

Gene: POLA1 (DNA polymerase alpha 1, catalytic subunit; plus strand). Cytogenetic location: Xp22.11.
Variant type: single nucleotide variant.
Coding change: c.44-1G>T on transcript NM_001330360.2 (MANE Select); the canonical splice acceptor site of the intron before coding-DNA position 44, G replaced by T.
Molecular consequence: splice acceptor variant.
Genome position (GRCh38, 1-based): chrX:24,699,424, G>T. VCF-style: chrX-24699424-G-T. GRCh37 (hg19) VCF-style: chrX-24717541-G-T.
Other names: c.44-1G>T (NM_001378303.1); c.26-1G>T (NM_016937.4).
Identifiers: ClinVar variation 2873952 (VCV002873952.4), dbSNP rs2518705579, ClinGen allele CA412609759.